The following is an entry in ClinVar:

ClinVar aggregate classification (germline): Conflicting classifications of pathogenicity. Review status: criteria provided, conflicting classifications (1 of 4 stars). 4 submissions from 4 submitters: Uncertain significance (2); Likely benign (1). 1 of the submissions does not count toward it. Last evaluated 2025-12-03.

Conditions:
Methylcrotonyl-CoA carboxylase deficiency. Also called: 3-MCC Deficiency; Deficiency of methylcrotonoyl-CoA carboxylase; 3 Methylcrotonylglycinuria. Identifiers: Orphanet 6, MedGen C4551505, MONDO:0018950.
3-methylcrotonyl-CoA carboxylase 1 deficiency (MCC1D). Also called: MCCD TYPE 1; METHYLCROTONYLGLYCINURIA TYPE I; MCC 1 deficiency; 3 Alpha methylcrotonylglycinuria 1. Identifiers: Orphanet 6, MedGen CN028786, MONDO:0008861, OMIM 210200.

Allele frequency attached by ClinVar (database versions not stated): gnomAD exomes 0.00001 and below 0.00001; TOPMed below 0.00001; gnomAD 0.00001.
gnomAD v4.1: 12 of 1,614,096 alleles (0.00074%); highest among the groups gnomAD compares: Non-Finnish European, 0.001%; no homozygotes.

Submissions (4):

Dasa
Classification: Uncertain significance. Last evaluated: 2025-12-03. Review status: criteria provided, single submitter. Criteria: DASA Assertion Criteria. Collection method: clinical testing. Allele origin: germline.
Comment: NM_020166.5(MCCC1):c.492-4A>G is a splice-region variant. This variant is rare in population databases. The currently available literature and clinical evidence are not sufficient to establish a definitive association between this variant and the reported condition. Therefore, this variant is classified as a variant of uncertain significance.

Laboratorio de Genetica e Diagnostico Molecular, Hospital Israelita Albert Einstein
Classification: Uncertain significance for 3-methylcrotonyl-CoA carboxylase 1 deficiency. Last evaluated: 2024-11-18. Review status: criteria provided, single submitter. Criteria: ACMG Guidelines, 2015. Collection method: clinical testing. Allele origin: germline. Affected: yes.
Comment: ACMG classification criteria: PM2 supporting, BP4 supporting

Labcorp Genetics (formerly Invitae), Labcorp
Classification: Likely benign for 3-methylcrotonyl-CoA carboxylase 1 deficiency. Last evaluated: 2023-05-12. Review status: criteria provided, single submitter. Criteria: Invitae Variant Classification Sherloc (09022015). Collection method: clinical testing. Allele origin: germline.

Natera, Inc.
Classification: Uncertain significance for 3-methylcrotonylglycinuria. Last evaluated: 2020-08-13. Review status: no assertion criteria provided. Collection method: clinical testing. Allele origin: germline. Not counted in ClinVar's aggregate classification.

NM_020166.5(MCCC1):c.492-4A>G

Gene: MCCC1 (methylcrotonyl-CoA carboxylase subunit 1; minus strand). Cytogenetic location: 3q27.1.
Variant type: single nucleotide variant.
Coding change: c.492-4A>G on transcript NM_020166.5 (MANE Select); 4 bases into the intron before coding-DNA position 492, A replaced by G.
Molecular consequence: intron variant.
Genome position (GRCh38, 1-based): chr3:183,071,361, T>C on the plus strand (A>G on the coding strand, the complement: MCCC1 is on the minus strand). VCF-style: chr3-183071361-T-C. GRCh37 (hg19) VCF-style: chr3-182789149-T-C.
Other names: c.165-4A>G (NM_001363880.1); c.141-4A>G (NM_001293273.2).
Identifiers: ClinVar variation 989679 (VCV000989679.12), dbSNP rs908545297, ClinGen allele CA88717234.